The following is an entry in ClinVar:

ClinVar aggregate classification (germline): Uncertain significance (1 of 4 stars; one submission).

Conditions:
Hereditary cancer-predisposing syndrome. Also called: Tumor predisposition; Neoplastic Syndromes, Hereditary; Hereditary Cancer Syndrome; Hereditary neoplastic syndrome. Identifiers: Orphanet 140162, MedGen C0027672, MeSH D009386, MONDO:0015356.

gnomAD v4.1: 1 of 1,613,028 alleles (0.000062%); highest among the groups gnomAD compares: Non-Finnish European, 0.000085%; no homozygotes.

Submission:

Ambry Genetics
Classification: Uncertain significance for Hereditary cancer-predisposing syndrome. Last evaluated: 2024-11-22. Review status: criteria provided, single submitter. Criteria: Ambry Variant Classification Scheme 2023. Collection method: clinical testing. Allele origin: germline.
Comment: The p.V5G variant (also known as c.14T>G), located in coding exon 1 of the FLCN gene, results from a T to G substitution at nucleotide position 14. The valine at codon 5 is replaced by glycine, an amino acid with dissimilar properties. This amino acid position is highly conserved in available vertebrate species. In addition, this alteration is predicted to be deleterious by in silico analysis. Based on the available evidence, the clinical significance of this variant remains unclear.

NM_144997.7(FLCN):c.14T>G (p.Val5Gly)

Gene: FLCN (folliculin; minus strand). Cytogenetic location: 17p11.2.
Variant type: single nucleotide variant.
Coding change: c.14T>G on transcript NM_144997.7 (MANE Select); coding-DNA position 14, T replaced by G.
Protein change: p.Val5Gly; replaces valine 5 with glycine.
Molecular consequence: missense variant.
Genome position (GRCh38, 1-based): chr17:17,228,124, A>C on the plus strand (T>G on the coding strand, the complement: FLCN is on the minus strand). VCF-style: chr17-17228124-A-C. GRCh37 (hg19) VCF-style: chr17-17131438-A-C.
Other names: c.14T>G, p.Val5Gly (NM_001353229.2, NM_001353230.2, NM_001353231.2 and 1 more transcripts); short protein forms V5G.
Identifiers: ClinVar variation 3515674 (VCV003515674.1).